The following is an entry in ClinVar:

ClinVar aggregate classification (germline): Uncertain significance. Review status: criteria provided, single submitter (1 of 4 stars). 2 submissions from 2 submitters: Uncertain significance (1). 1 of the submissions does not count toward it. Last evaluated 2022-03-08.

Conditions:
CFTR-related disorder (CFTR-RD). Also called: CFTR-related disorders; CFTR-related condition. Identifiers: MedGen C5924204, MONDO:7770004.
Cystic fibrosis (CF). Also called: MUCOVISCIDOSIS. Identifiers: Orphanet 586, MedGen C0010674, MONDO:0009061, OMIM 219700. Disease mechanism: loss of function.

gnomAD v4.1: 1 of 1,614,144 alleles (0.000062%); highest among the groups gnomAD compares: South Asian, 0.0011%; no homozygotes.

Submissions (2):

Labcorp Genetics (formerly Invitae), Labcorp
Classification: Uncertain significance for Cystic fibrosis. Last evaluated: 2022-03-08. Review status: criteria provided, single submitter. Criteria: Invitae Variant Classification Sherloc (09022015). Collection method: clinical testing. Allele origin: germline.
Comment: In summary, the available evidence is currently insufficient to determine the role of this variant in disease. Therefore, it has been classified as a Variant of Uncertain Significance. Algorithms developed to predict the effect of missense changes on protein structure and function are either unavailable or do not agree on the potential impact of this missense change (SIFT: "Deleterious"; PolyPhen-2: "Probably Damaging"; Align-GVGD: "Class C15"). ClinVar contains an entry for this variant (Variation ID: 965117). This variant has not been reported in the literature in individuals affected with CFTR-related conditions. This variant is not present in population databases (gnomAD no frequency). This sequence change replaces phenylalanine, which is neutral and non-polar, with leucine, which is neutral and non-polar, at codon 337 of the CFTR protein (p.Phe337Leu).

Natera, Inc.
Classification: Uncertain significance for CFTR-related disorders. Last evaluated: 2021-01-27. Review status: no assertion criteria provided. Collection method: clinical testing. Allele origin: germline. Not counted in ClinVar's aggregate classification.

NM_000492.4(CFTR):c.1009T>C (p.Phe337Leu)

Gene: CFTR (CF transmembrane conductance regulator; plus strand). Cytogenetic location: 7q31.2.
Variant type: single nucleotide variant.
Coding change: c.1009T>C on transcript NM_000492.4 (MANE Select); coding-DNA position 1009, T replaced by C.
Protein change: p.Phe337Leu; replaces phenylalanine 337 with leucine.
Molecular consequence: missense variant.
Genome position (GRCh38, 1-based): chr7:117,540,239, T>C. VCF-style: chr7-117540239-T-C. GRCh37 (hg19) VCF-style: chr7-117180293-T-C.
Other names: short protein forms F337L.
Identifiers: ClinVar variation 965117 (VCV000965117.8), dbSNP rs771716655, ClinGen allele CA368978764.